The following is an entry in ClinVar:

ClinVar aggregate classification (germline): Uncertain significance (1 of 4 stars; one submission).

Conditions:
Leigh syndrome (NULS). Also called: Leigh's necrotizing encephalopathy; Leigh's disease; Leigh Syndrome (mtDNA deletion); Leigh Disease; Subacute necrotizing encephalopathy; Necrotizing encephalopathy infantile subacute of Leigh. Identifiers: Orphanet 506, MedGen C2931891, MONDO:0009723, OMIM 256000.

Submission:

Wong Mito Lab, Molecular and Human Genetics, Baylor College of Medicine
Classification: Uncertain significance for Leigh syndrome. Last evaluated: 2019-10-17. Review status: criteria provided, single submitter. Criteria: Modified ACMG Guidelines (Unpublished). Collection method: clinical testing. Allele origin: germline.
Comment: The NC_012920.1:m.9247G>A (YP_003024032.1:p.Ser14Asn) variant in MTCO3 gene is interpretated to be a Uncertain Significance variant based on the modified ACMG guidelines (unpublished). This variant meets the following evidence codes: PP6, PP7

NC_012920.1(MT-CO3):m.9247G>A

Gene: MT-CO3 (mitochondrially encoded cytochrome c oxidase III; plus strand).
Variant type: single nucleotide variant.
Genome position: chrM-9247-G-A.
Identifiers: ClinVar variation 693131 (VCV000693131.1), dbSNP rs1553140066, ClinGen allele CA414802522.